The following is an entry in ClinVar:

NM_001035.3(RYR2):c.5764A>T (p.Ile1922Leu)

Gene: RYR2 (ryanodine receptor 2; plus strand). Cytogenetic location: 1q43.
Variant type: single nucleotide variant.
Coding change: c.5764A>T on transcript NM_001035.3 (MANE Select); coding-DNA position 5764, A replaced by T.
Protein change: p.Ile1922Leu; replaces isoleucine 1922 with leucine.
Molecular consequence: missense variant.
Genome position (GRCh38, 1-based): chr1:237,617,334, A>T. VCF-style: chr1-237617334-A-T. GRCh37 (hg19) VCF-style: chr1-237780634-A-T.
Other names: short protein forms I1922L.
Identifiers: ClinVar variation 2856705 (VCV002856705.3), dbSNP rs374874044, ClinGen allele CA345406914.

ClinVar aggregate classification (germline): Uncertain significance (1 of 4 stars; one submission).

Conditions:
Catecholaminergic polymorphic ventricular tachycardia 1. Also called: RYR2-Related Catecholaminergic Polymorphic Ventricular Tachycardia; VENTRICULAR TACHYCARDIA, STRESS-INDUCED POLYMORPHIC 1; VENTRICULAR TACHYCARDIA, CATECHOLAMINERGIC POLYMORPHIC, 1, WITH OR WITHOUT ATRIAL DYSFUNCTION AND/OR DILATED CARDIOMYOPATHY. Identifiers: Orphanet 3286, MedGen C1631597, MONDO:0011484, OMIM 604772.

gnomAD v4.1: 2 of 1,613,860 alleles (0.00012%); highest among the groups gnomAD compares: East Asian, 0.0045%; no homozygotes.

Submission:

Labcorp Genetics (formerly Invitae), Labcorp
Classification: Uncertain significance for Catecholaminergic polymorphic ventricular tachycardia 1. Last evaluated: 2024-10-20. Review status: criteria provided, single submitter. Criteria: Invitae Variant Classification Sherloc (09022015). Collection method: clinical testing. Allele origin: germline.
Comment: This sequence change replaces isoleucine, which is neutral and non-polar, with leucine, which is neutral and non-polar, at codon 1922 of the RYR2 protein (p.Ile1922Leu). This variant is not present in population databases (gnomAD no frequency). This missense change has been observed in individual(s) with catecholaminergic polymorphic ventricular tachycardia (PMID: 29925740). Invitae Evidence Modeling of protein sequence and biophysical properties (such as structural, functional, and spatial information, amino acid conservation, physicochemical variation, residue mobility, and thermodynamic stability) indicates that this missense variant is not expected to disrupt RYR2 protein function with a negative predictive value of 95%. In summary, the available evidence is currently insufficient to determine the role of this variant in disease. Therefore, it has been classified as a Variant of Uncertain Significance.

Literature cited by the submitters: PubMed 29925740.